The following is an entry in ClinVar:

ClinVar aggregate classification (germline): Uncertain significance (1 of 4 stars; one submission).

gnomAD v4.1: 5 of 1,614,138 alleles (0.00031%); highest among the groups gnomAD compares: African/African-American, 0.0013%; no homozygotes.

Submission:

Labcorp Genetics (formerly Invitae), Labcorp
Classification: Uncertain significance. Last evaluated: 2024-12-20. Review status: criteria provided, single submitter. Criteria: Invitae Variant Classification Sherloc (09022015). Collection method: clinical testing. Allele origin: germline.
Comment: This sequence change replaces glutamine, which is neutral and polar, with histidine, which is basic and polar, at codon 543 of the LZTS1 protein (p.Gln543His). This variant is present in population databases (rs775241953, gnomAD 0.002%). This variant has not been reported in the literature in individuals affected with LZTS1-related conditions. Invitae Evidence Modeling of protein sequence and biophysical properties (such as structural, functional, and spatial information, amino acid conservation, physicochemical variation, residue mobility, and thermodynamic stability) indicates that this missense variant is expected to disrupt LZTS1 protein function with a positive predictive value of 80%. In summary, the available evidence is currently insufficient to determine the role of this variant in disease. Therefore, it has been classified as a Variant of Uncertain Significance.

NM_021020.5(LZTS1):c.1629G>C (p.Gln543His)

Gene: LZTS1 (leucine zipper tumor suppressor 1; minus strand). Cytogenetic location: 8p21.3.
Variant type: single nucleotide variant.
Coding change: c.1629G>C on transcript NM_021020.5 (MANE Select); coding-DNA position 1629, G replaced by C.
Protein change: p.Gln543His; replaces glutamine 543 with histidine.
Molecular consequence: missense variant.
Genome position (GRCh38, 1-based): chr8:20,249,884, C>G on the plus strand (G>C on the coding strand, the complement: LZTS1 is on the minus strand). VCF-style: chr8-20249884-C-G. GRCh37 (hg19) VCF-style: chr8-20107395-C-G.
Other names: c.1629G>C, p.Gln543His (NM_001362884.2); short protein forms Q543H.
Identifiers: ClinVar variation 3716794 (VCV003716794.2).